The following is an entry in ClinVar:

ClinVar aggregate classification (germline): Uncertain significance. Review status: criteria provided, multiple submitters, no conflicts (2 of 4 stars). 2 submissions from 2 submitters: Uncertain significance (2). Last evaluated 2023-06-14.

Conditions:
KLF11-related disorder. Also called: KLF11-related condition.

Allele frequency attached by ClinVar (database versions not stated): gnomAD exomes 0.00001; ExAC 0.00002.

Submissions (2):

PreventionGenetics, part of Exact Sciences
Classification: Uncertain significance for KLF11-related condition. Last evaluated: 2023-06-14. Review status: criteria provided, single submitter. Criteria: ACMG Guidelines, 2015. Collection method: clinical testing. Allele origin: germline.
Comment: The KLF11 c.650C>T variant is predicted to result in the amino acid substitution p.Thr217Ile. To our knowledge, this variant has not been reported in the literature. This variant is reported in 0.00088% of alleles in individuals of European (Non-Finnish) descent in gnomAD. At this time, the clinical significance of this variant is uncertain due to the absence of conclusive functional and genetic evidence.

Labcorp Genetics (formerly Invitae), Labcorp
Classification: Uncertain significance. Last evaluated: 2022-04-29. Review status: criteria provided, single submitter. Criteria: Invitae Variant Classification Sherloc (09022015). Collection method: clinical testing. Allele origin: germline.
Comment: This variant has not been reported in the literature in individuals affected with KLF11-related conditions. Algorithms developed to predict the effect of missense changes on protein structure and function (SIFT, PolyPhen-2, Align-GVGD) all suggest that this variant is likely to be tolerated. In summary, the available evidence is currently insufficient to determine the role of this variant in disease. Therefore, it has been classified as a Variant of Uncertain Significance. This variant is present in population databases (rs773538909, gnomAD 0.002%). This sequence change replaces threonine, which is neutral and polar, with isoleucine, which is neutral and non-polar, at codon 217 of the KLF11 protein (p.Thr217Ile).

NM_003597.5(KLF11):c.650C>T (p.Thr217Ile)

Gene: KLF11 (KLF transcription factor 11; plus strand). Cytogenetic location: 2p25.1.
Variant type: single nucleotide variant.
Coding change: c.650C>T on transcript NM_003597.5 (MANE Select); coding-DNA position 650, C replaced by T.
Protein change: p.Thr217Ile; replaces threonine 217 with isoleucine.
Molecular consequence: missense variant.
Genome position (GRCh38, 1-based): chr2:10,047,987, C>T. VCF-style: chr2-10047987-C-T. GRCh37 (hg19) VCF-style: chr2-10188114-C-T.
Other names: c.650C>T (NM_003597.4); c.599C>T, p.Thr200Ile (NM_001177716.2, NM_001177718.2); short protein forms T217I, T200I.
Identifiers: ClinVar variation 2101916 (VCV002101916.5), dbSNP rs773538909, ClinGen allele CA1525570.
Genomic context (GRCh38, chr2:10,047,987, plus strand): 5'-TTTCTGACAGCAGAGAAGGAGAAGAGCAGCTTCTGGGACACTTTGAAACTTTGCAGGACA[C>T]ACACCTCACGGACAGTTTACTCAGCACTAACTTGGTGTCCTGTCAGCCCTGCTTGCACAA-3'
Protein context (NP_003588.1, residues 207-227): LLGHFETLQD[Thr217Ile]HLTDSLLSTN